The following is an entry in ClinVar:

ClinVar aggregate classification (germline): Uncertain significance (1 of 4 stars; one submission).

Conditions:
Epilepsy, familial focal, with variable foci 3 (FFEVF3). Identifiers: MedGen C4310708, MONDO:0014925, OMIM 617118.

Submission:

Labcorp Genetics (formerly Invitae), Labcorp
Classification: Uncertain significance for Epilepsy, familial focal, with variable foci 3. Last evaluated: 2022-08-16. Review status: criteria provided, single submitter. Criteria: Invitae Variant Classification Sherloc (09022015). Collection method: clinical testing. Allele origin: germline.
Comment: This sequence change replaces methionine, which is neutral and non-polar, with isoleucine, which is neutral and non-polar, at codon 397 of the NPRL3 protein (p.Met397Ile). This variant is not present in population databases (gnomAD no frequency). This variant has not been reported in the literature in individuals affected with NPRL3-related conditions. Experimental studies and prediction algorithms are not available or were not evaluated, and the functional significance of this variant is currently unknown. In summary, the available evidence is currently insufficient to determine the role of this variant in disease. Therefore, it has been classified as a Variant of Uncertain Significance.

NM_001077350.3(NPRL3):c.1191G>A (p.Met397Ile)

Genes: HBA-LCR (alpha-globin locus control region; plus strand), NPRL3 (NPR3 like, GATOR1 complex subunit; minus strand). Cytogenetic location: 16p13.3.
Variant type: single nucleotide variant.
Coding change: c.1191G>A on transcript NM_001077350.3 (MANE Select); coding-DNA position 1191, G replaced by A.
Protein change: p.Met397Ile; replaces methionine 397 with isoleucine.
Molecular consequence: missense variant.
Genome position (GRCh38, 1-based): chr16:89,873, C>T on the plus strand (G>A on the coding strand, the complement: NPRL3 is on the minus strand). VCF-style: chr16-89873-C-T. GRCh37 (hg19) VCF-style: chr16-139871-C-T.
Other names: c.654G>A, p.Met218Ile (NM_001039476.3); c.957G>A, p.Met319Ile (NM_001243247.2); c.1116G>A, p.Met372Ile (NM_001243248.2, NM_001243249.2); short protein forms M218I, M319I, M372I, M397I.
Identifiers: ClinVar variation 1716563 (VCV001716563.5), dbSNP rs2542804634, ClinGen allele CA394051412.